The following is an entry in ClinVar:

NM_001243133.2(NLRP3):c.1976T>A (p.Met659Lys)

Gene: NLRP3 (NLR family pyrin domain containing 3; plus strand). Cytogenetic location: 1q44.
Variant type: single nucleotide variant.
Coding change: c.1976T>A on transcript NM_001243133.2 (MANE Select); coding-DNA position 1976, T replaced by A.
Protein change: p.Met659Lys; replaces methionine 659 with lysine.
Molecular consequence: missense variant.
Genome position (GRCh38, 1-based): chr1:247,425,425, T>A. VCF-style: chr1-247425425-T-A. GRCh37 (hg19) VCF-style: chr1-247588727-T-A.
Other names: c.1976T>A, p.Met659Lys (NM_001079821.3, NM_001127461.3, NM_001127462.3 and 1 more transcripts); c.1982T>A, p.Met661Lys (NM_004895.5); short protein forms M661K, M659K.
Identifiers: ClinVar variation 97952 (VCV000097952.1), dbSNP rs180177457, ClinGen allele CA281286.

ClinVar aggregate classification (germline): not provided (0 of 4 stars; one submission).

Conditions:
Familial cold autoinflammatory syndrome 1 (FCAS1). Also called: CRYOPYRIN-ASSOCIATED PERIODIC SYNDROME 1; Familial cold inflammatory syndrome 1. Identifiers: Orphanet 47045, MedGen C4551895, MONDO:0007349, OMIM 120100.

Submission:

Unité médicale des maladies autoinflammatoires, CHRU Montpellier
No classification provided. Condition: Familial cold urticaria. Review status: no classification provided. Collection method: not provided. Allele origin: unknown.
Comment: also involved in OMIM 191900 and 607115